The following is an entry in ClinVar:

NM_000268.4(NF2):c.939C>T (p.Ala313=)

Gene: NF2 (NF2, moesin-ezrin-radixin like (MERLIN) tumor suppressor; plus strand). Cytogenetic location: 22q12.2.
Variant type: single nucleotide variant.
Coding change: c.939C>T on transcript NM_000268.4 (MANE Select); coding-DNA position 939, C replaced by T.
Protein change: p.Ala313=; no amino-acid change (alanine 313 retained).
Molecular consequence: synonymous variant. On other transcripts: non-coding transcript variant (1), intron variant (1).
Genome position (GRCh38, 1-based): chr22:29,668,386, C>T. VCF-style: chr22-29668386-C-T. GRCh37 (hg19) VCF-style: chr22-30064375-C-T.
Other names: c.939C>T, p.Ala313= (NM_016418.5, NM_181825.3, NM_181832.3); c.813C>T, p.Ala271= (NM_181828.3); c.816C>T, p.Ala272= (NM_181829.3); c.690C>T, p.Ala230= (NM_181830.3, NM_181831.3); c.447+26101C>T (NM_181833.3).
Identifiers: ClinVar variation 714194 (VCV000714194.18), dbSNP rs747526252, ClinGen allele CA035926.

ClinVar aggregate classification (germline): Likely benign. Review status: criteria provided, multiple submitters, no conflicts (2 of 4 stars). 5 submissions from 5 submitters: Likely benign (5). Last evaluated 2026-01-18.

Conditions:
Hereditary cancer-predisposing syndrome. Also called: Hereditary Cancer Syndrome; Neoplastic Syndromes, Hereditary; Tumor predisposition; Hereditary neoplastic syndrome. Identifiers: Orphanet 140162, MedGen C0027672, MeSH D009386, MONDO:0015356.
Neurofibromatosis, type 2 (SWNV). Also called: SCHWANNOMATOSIS, VESTIBULAR; BILATERAL ACOUSTIC NEUROFIBROMATOSIS; NF2-Related Schwannomatosis. Identifiers: Orphanet 637, MedGen C0027832, MONDO:0007039, OMIM 101000. Disease mechanism: loss of function.

Allele frequency attached by ClinVar (database versions not stated): gnomAD exomes 0.00001; ExAC 0.00002; gnomAD 0.00003; TOPMed 0.00003.
gnomAD v4.1: 12 of 1,613,740 alleles (0.00074%); highest among the groups gnomAD compares: African/African-American, 0.0067%; no homozygotes.

Submissions (5):

Labcorp Genetics (formerly Invitae), Labcorp
Classification: Likely benign for Neurofibromatosis, type 2. Last evaluated: 2026-01-18. Review status: criteria provided, single submitter. Criteria: Invitae Variant Classification Sherloc (09022015). Collection method: clinical testing. Allele origin: germline.

All of Us Research Program, National Institutes of Health
Classification: Likely benign for Neurofibromatosis, type 2. Last evaluated: 2023-08-15. Review status: criteria provided, single submitter. Criteria: ACMG Guidelines, 2015. Collection method: clinical testing. Allele origin: germline. Inheritance: Autosomal dominant inheritance. Observed: 2 variant alleles, 2 heterozygotes.
Comment: This study involves interpretation of variants in research participants for the purpose of population health screening. Participant phenotype was not available at the time of variant classification. Additional details can be found in publication PMID: 35346344, PMCID: PMC8962531

Color Diagnostics, LLC DBA Color Health
Classification: Likely benign for Neurofibromatosis, type 2. Last evaluated: 2022-11-06. Review status: criteria provided, single submitter. Criteria: ACMG Guidelines, 2015. Collection method: clinical testing. Allele origin: germline.

Sema4
Classification: Likely benign for Hereditary cancer-predisposing syndrome. Last evaluated: 2022-03-04. Review status: criteria provided, single submitter. Criteria: Sema4 Curation Guidelines. Collection method: curation. Allele origin: germline.

Ambry Genetics
Classification: Likely benign for Hereditary cancer-predisposing syndrome. Last evaluated: 2019-02-26. Review status: criteria provided, single submitter. Criteria: Ambry Variant Classification Scheme 2023. Collection method: clinical testing. Allele origin: germline.